The following is an entry in ClinVar:

NM_014176.4(UBE2T):c.508G>A (p.Gly170Ser)

Gene: UBE2T (ubiquitin conjugating enzyme E2 T; minus strand). Cytogenetic location: 1q32.1.
Variant type: single nucleotide variant.
Coding change: c.508G>A on transcript NM_014176.4 (MANE Select); coding-DNA position 508, G replaced by A.
Protein change: p.Gly170Ser; replaces glycine 170 with serine.
Molecular consequence: missense variant.
Genome position (GRCh38, 1-based): chr1:202,331,921, C>T on the plus strand (G>A on the coding strand, the complement: UBE2T is on the minus strand). VCF-style: chr1-202331921-C-T. GRCh37 (hg19) VCF-style: chr1-202301049-C-T.
Other names: c.418G>A, p.Gly140Ser (NM_001310326.2); short protein forms G140S, G170S.
Identifiers: ClinVar variation 3687017 (VCV003687017.2).
Genomic context (GRCh38, chr1:202,331,921, plus strand): 5'-CTATGCCTACTAGCTGACTGGCCTTCCTTTTCTGTGTTGAGTTGTGTACTCTGGAGTCAC[C>T]AGCCTCTGGTAGATTATCAAGCATCTCTTCCTCATCAGCCTAAAGAGGAGACAGGGTGAA-3'
Protein context (NP_054895.1, residues 160-180): EEMLDNLPEA[Gly170Ser]DSRVHNSTQK

ClinVar aggregate classification (germline): Uncertain significance (1 of 4 stars; one submission).

Submission:

Labcorp Genetics (formerly Invitae), Labcorp
Classification: Uncertain significance. Last evaluated: 2024-08-12. Review status: criteria provided, single submitter. Criteria: Invitae Variant Classification Sherloc (09022015). Collection method: clinical testing. Allele origin: germline.
Comment: This sequence change replaces glycine, which is neutral and non-polar, with serine, which is neutral and polar, at codon 170 of the UBE2T protein (p.Gly170Ser). This variant is not present in population databases (gnomAD no frequency). This variant has not been reported in the literature in individuals affected with UBE2T-related conditions. An algorithm developed to predict the effect of missense changes on protein structure and function outputs the following: PolyPhen-2: "Benign". The serine amino acid residue is found in multiple mammalian species, which suggests that this missense change does not adversely affect protein function. In summary, the available evidence is currently insufficient to determine the role of this variant in disease. Therefore, it has been classified as a Variant of Uncertain Significance.